The following is an entry in ClinVar:

ClinVar aggregate classification (germline): Uncertain significance (1 of 4 stars; one submission).

Submission:

Labcorp Genetics (formerly Invitae), Labcorp
Classification: Uncertain significance. Last evaluated: 2024-11-13. Review status: criteria provided, single submitter. Criteria: Invitae Variant Classification Sherloc (09022015). Collection method: clinical testing. Allele origin: germline.
Comment: This sequence change replaces glutamine, which is neutral and polar, with arginine, which is basic and polar, at codon 1185 of the MYH3 protein (p.Gln1185Arg). This variant is not present in population databases (gnomAD no frequency). This variant has not been reported in the literature in individuals affected with MYH3-related conditions. Invitae Evidence Modeling of protein sequence and biophysical properties (such as structural, functional, and spatial information, amino acid conservation, physicochemical variation, residue mobility, and thermodynamic stability) indicates that this missense variant is not expected to disrupt MYH3 protein function with a negative predictive value of 95%. In summary, the available evidence is currently insufficient to determine the role of this variant in disease. Therefore, it has been classified as a Variant of Uncertain Significance.

NM_002470.4(MYH3):c.3554A>G (p.Gln1185Arg)

Gene: MYH3 (myosin heavy chain 3; minus strand). Cytogenetic location: 17p13.1.
Variant type: single nucleotide variant.
Coding change: c.3554A>G on transcript NM_002470.4 (MANE Select); coding-DNA position 3554, A replaced by G.
Protein change: p.Gln1185Arg; replaces glutamine 1185 with arginine.
Molecular consequence: missense variant.
Genome position (GRCh38, 1-based): chr17:10,638,218, T>C on the plus strand (A>G on the coding strand, the complement: MYH3 is on the minus strand). VCF-style: chr17-10638218-T-C. GRCh37 (hg19) VCF-style: chr17-10541535-T-C.
Other names: short protein forms Q1185R.
Identifiers: ClinVar variation 3634447 (VCV003634447.2).